The following is an entry in ClinVar:

NM_024675.4(PALB2):c.2847T>C (p.Cys949=)

Gene: PALB2 (partner and localizer of BRCA2; minus strand). Cytogenetic location: 16p12.2.
Variant type: single nucleotide variant.
Coding change: c.2847T>C on transcript NM_024675.4 (MANE Select); coding-DNA position 2847, T replaced by C.
Protein change: p.Cys949=; no amino-acid change (cysteine 949 retained).
Molecular consequence: synonymous variant.
Genome position (GRCh38, 1-based): chr16:23,623,118, A>G on the plus strand (T>C on the coding strand, the complement: PALB2 is on the minus strand). VCF-style: chr16-23623118-A-G. GRCh37 (hg19) VCF-style: chr16-23634439-A-G.
Identifiers: ClinVar variation 492201 (VCV000492201.16), dbSNP rs1555459591, ClinGen allele CA494180510.
Genomic context (GRCh38, chr16:23,623,118, plus strand): 5'-CACAGCTTTTATATTTCCAGACTTCAGTAGTACTTGCTTTTCACTTTCATCATCAGAGGA[A>G]CAAAACAATGCCCTAAGCCAAATATAAGGAAAAATGGGGTGATGTGAGGAGTAACCTTTT-3'
Protein context (NP_078951.2, residues 939-959): LEIREIRALF[Cys949=]SSDDESEKQV

ClinVar aggregate classification (germline): Benign/Likely benign. Review status: criteria provided, multiple submitters, no conflicts (2 of 4 stars). 4 submissions from 4 submitters: Benign (1); Likely benign (3). Last evaluated 2025-01-19.

Conditions:
Hereditary cancer-predisposing syndrome. Also called: Hereditary neoplastic syndrome; Tumor predisposition; Hereditary Cancer Syndrome; Neoplastic Syndromes, Hereditary. Identifiers: Orphanet 140162, MedGen C0027672, MeSH D009386, MONDO:0015356.
Familial cancer of breast. Also called: Hereditary breast cancer; hereditary breast carcinoma; BREAST CANCER, FAMILIAL. Identifiers: Orphanet 227535, MedGen C0346153, MONDO:0016419, OMIM 114480. Disease mechanism: loss of function.

Submissions (4):

Ambry Genetics
Classification: Likely benign for Hereditary cancer-predisposing syndrome. Last evaluated: 2025-01-19. Review status: criteria provided, single submitter. Criteria: Ambry Variant Classification Scheme 2023. Collection method: clinical testing. Allele origin: germline.

Myriad Genetics, Inc.
Classification: Benign for Familial cancer of breast. Last evaluated: 2025-01-17. Review status: criteria provided, single submitter. Criteria: Myriad Autosomal Dominant, Autosomal Recessive and X-Linked Classification Criteria (2023). Collection method: clinical testing. Allele origin: unknown.
Comment: This variant is considered benign. This variant is a silent/synonymous amino acid change and it is not expected to impact splicing.

Labcorp Genetics (formerly Invitae), Labcorp
Classification: Likely benign for Familial cancer of breast. Last evaluated: 2024-03-06. Review status: criteria provided, single submitter. Criteria: Invitae Variant Classification Sherloc (09022015). Collection method: clinical testing. Allele origin: germline.

Color Diagnostics, LLC DBA Color Health
Classification: Likely benign for Hereditary cancer-predisposing syndrome. Last evaluated: 2017-03-28. Review status: criteria provided, single submitter. Criteria: ACMG Guidelines, 2015. Collection method: clinical testing. Allele origin: germline.